The following is an entry in ClinVar:

NM_030973.4(MED25):c.1377C>T (p.Thr459=)

Gene: MED25 (mediator complex subunit 25; plus strand). Cytogenetic location: 19q13.33.
Variant type: single nucleotide variant.
Coding change: c.1377C>T on transcript NM_030973.4 (MANE Select); coding-DNA position 1377, C replaced by T.
Protein change: p.Thr459=; no amino-acid change (threonine 459 retained).
Molecular consequence: synonymous variant.
Genome position (GRCh38, 1-based): chr19:49,832,310, C>T. VCF-style: chr19-49832310-C-T. GRCh37 (hg19) VCF-style: chr19-50335567-C-T.
Other names: c.1377C>T, p.Thr459= (NM_001378355.1).
Identifiers: ClinVar variation 329883 (VCV000329883.22), dbSNP rs374928221, ClinGen allele CA9585272.
Genomic context (GRCh38, chr19:49,832,310, plus strand): 5'-ATGTCCCCGCCTCACTTGCCCACACCAGCATGCCAGCCGACTTCTGTGTCTCCCGCAGAC[C>T]ACCCTGGGCCCTTTGTTCCGGAACTCAAGGATGGTCCAGTTCCATTTCACCAACAAGGAC-3'
Protein context (NP_112235.2, residues 449-469): IMQLIPQQLL[Thr459=]TLGPLFRNSR

ClinVar aggregate classification (germline): Conflicting classifications of pathogenicity. Review status: criteria provided, conflicting classifications (1 of 4 stars). 4 submissions from 4 submitters: Uncertain significance (1); Likely benign (3). Last evaluated 2025-12-16.

Conditions:
Charcot-Marie-Tooth disease type 2. Also called: Charcot-Marie-Tooth type 2. Identifiers: Orphanet 64746, MedGen C0270914, MONDO:0018993.
Charcot-Marie-Tooth disease. Also called: Charcot-Marie-Tooth Hereditary Neuropathy; Charcot-Marie-Tooth Neuropathy. Identifiers: Orphanet 166, MedGen C0007959, MONDO:0015626.

Allele frequency attached by ClinVar (database versions not stated): gnomAD 0.00010; TOPMed 0.00013; ESP Exome Variant Server 0.00015.
gnomAD v4.1: 271 of 1,602,590 alleles (0.017%); highest among the groups gnomAD compares: Non-Finnish European, 0.022%; no homozygotes.

Submissions (4):

Labcorp Genetics (formerly Invitae), Labcorp
Classification: Likely benign for Charcot-Marie-Tooth disease type 2. Last evaluated: 2025-12-16. Review status: criteria provided, single submitter. Criteria: Invitae Variant Classification Sherloc (09022015). Collection method: clinical testing. Allele origin: germline.

CeGaT Center for Human Genetics Tuebingen
Classification: Likely benign. Last evaluated: 2025-10-01. Review status: criteria provided, single submitter. Criteria: CeGaT Center For Human Genetics Tuebingen Variant Classification Criteria Version 2. Collection method: clinical testing. Allele origin: germline. Affected: yes. Observed: 1 variant allele.
Comment: MED25: BP4, BP7

Blueprint Genetics
Classification: Uncertain significance. Last evaluated: 2024-08-08. Review status: criteria provided, single submitter. Criteria: ACMG Guidelines, 2015. Collection method: clinical testing. Allele origin: germline.

Molecular Genetics Laboratory, London Health Sciences Centre
Classification: Likely benign for Charcot-Marie-Tooth disease. Review status: criteria provided, single submitter. Criteria: ACMG Guidelines, 2015. Collection method: clinical testing. Allele origin: germline. Affected: yes.